The following is an entry in ClinVar:

NM_015107.3(PHF8):c.325A>G (p.Asn109Asp)

Gene: PHF8 (PHD finger protein 8; minus strand). Cytogenetic location: Xp11.22.
Variant type: single nucleotide variant.
Coding change: c.325A>G on transcript NM_015107.3 (MANE Select); coding-DNA position 325, A replaced by G.
Protein change: p.Asn109Asp; replaces asparagine 109 with aspartic acid.
Molecular consequence: missense variant.
Genome position (GRCh38, 1-based): chrX:54,017,790, T>C on the plus strand (A>G on the coding strand, the complement: PHF8 is on the minus strand). VCF-style: chrX-54017790-T-C. GRCh37 (hg19) VCF-style: chrX-54044223-T-C.
Other names: c.433A>G, p.Asn145Asp (NM_001184896.1); c.325A>G, p.Asn109Asp (NM_001184897.2, NM_001184898.2); short protein forms N109D, N145D.
Identifiers: ClinVar variation 3765680 (VCV003765680.1).

ClinVar aggregate classification (germline): Uncertain significance (1 of 4 stars; one submission).

Submission:

Greenwood Genetic Center Diagnostic Laboratories, Greenwood Genetic Center
Classification: Uncertain significance. Last evaluated: 2024-10-01. Review status: criteria provided, single submitter. Criteria: ACMG Guidelines, 2015. Collection method: clinical testing. Allele origin: germline. Affected: yes.
Comment: PM2, BP4, PP2